The following is an entry in ClinVar:

NM_014270.5(SLC7A9):c.117C>T (p.Ile39=)

Gene: SLC7A9 (solute carrier family 7 member 9; minus strand). Cytogenetic location: 19q13.11.
Variant type: single nucleotide variant.
Coding change: c.117C>T on transcript NM_014270.5 (MANE Select); coding-DNA position 117, C replaced by T.
Protein change: p.Ile39=; no amino-acid change (isoleucine 39 retained).
Molecular consequence: synonymous variant.
Genome position (GRCh38, 1-based): chr19:32,864,747, G>A on the plus strand (C>T on the coding strand, the complement: SLC7A9 is on the minus strand). VCF-style: chr19-32864747-G-A. GRCh37 (hg19) VCF-style: chr19-33355653-G-A.
Other names: c.117C>T, p.Ile39= (NM_001126335.2, NM_001243036.2); c.117C>T (NM_014270.4).
Identifiers: ClinVar variation 2713224 (VCV002713224.5), dbSNP rs1364505808, ClinGen allele CA506668186.
Genomic context (GRCh38, chr19:32,864,747, plus strand): 5'-CGTGTTGCTGAGCACAGACTTGGGGGAAACGAAGATCCCAGAGCCAATGATGGTGCCCAC[G>A]ATGATGGAGATGCCACTGATGAGGCCCAGCTGGGTGTGGAGGAAGGAAGAGGGCGTTAGT-3'
Protein context (NP_055085.1, residues 29-49): ELGLISGISI[Ile39=]VGTIIGSGIF

ClinVar aggregate classification (germline): Likely benign. Review status: criteria provided, single submitter (1 of 4 stars). 2 submissions from 2 submitters: Likely benign (1). 1 of the submissions does not count toward it. Last evaluated 2023-12-02.

Conditions:
SLC7A9-related disorder. Also called: SLC7A9-related condition.

Allele frequency attached by ClinVar (database versions not stated): gnomAD exomes 0.00001; TOPMed 0.00001.
gnomAD v4.1: 8 of 1,614,170 alleles (0.0005%); highest among the groups gnomAD compares: South Asian, 0.0044%; no homozygotes.

Submissions (2):

Labcorp Genetics (formerly Invitae), Labcorp
Classification: Likely benign. Last evaluated: 2023-12-02. Review status: criteria provided, single submitter. Criteria: Invitae Variant Classification Sherloc (09022015). Collection method: clinical testing. Allele origin: germline.

PreventionGenetics, part of Exact Sciences
Classification: Likely benign for SLC7A9-related condition. Last evaluated: 2023-08-30. Review status: no assertion criteria provided. Collection method: clinical testing. Allele origin: germline. Not counted in ClinVar's aggregate classification.
Comment: This variant is classified as likely benign based on ACMG/AMP sequence variant interpretation guidelines (Richards et al. 2015 PMID: 25741868, with internal and published modifications).